The following is an entry in ClinVar:

ClinVar aggregate classification (germline): Likely pathogenic (1 of 4 stars; one submission).

Conditions:
Autosomal recessive osteopetrosis 1. Also called: TCIRG1-Related Autosomal Recessive Osteopetrosis; ALBERS-SCHONBERG DISEASE, AUTOSOMAL RECESSIVE; TCIRG1-Related Osteopetrosis. Identifiers: Orphanet 667, MedGen C1850127, MONDO:0009815, OMIM 259700.

Submission:

3billion
Classification: Likely pathogenic for Autosomal recessive osteopetrosis 1. Last evaluated: 2025-02-11. Review status: criteria provided, single submitter. Criteria: ACMG Guidelines, 2015. Collection method: clinical testing. Allele origin: germline. Affected: yes.
Comment: The variant is observed at an extremely low frequency in the gnomAD v4.1.0 dataset (total allele frequency: <0.001%). Predicted Consequence/Location: Frameshift: predicted to result in a loss or disruption of normal protein function through nonsense-mediated decay (NMD) or protein truncation. Multiple pathogenic variants are reported downstream of the variant. Therefore, this variant is classified as Likely pathogenic according to the recommendation of ACMG/AMP guideline.

NM_006019.4(TCIRG1):c.1164del (p.Ala389fs)

Gene: TCIRG1 (T cell immune regulator 1, ATPase H+ transporting V0 subunit a3; plus strand). Cytogenetic location: 11q13.2.
Variant type: Deletion.
Coding change: c.1164del on transcript NM_006019.4 (MANE Select); coding-DNA position 1164, one base deleted (C; older notation c.1164delC).
Protein change: p.Ala389fs; shifts the reading frame from alanine 389.
Molecular consequence: frameshift variant. On other transcripts: intron variant (1).
Genome position (GRCh38, 1-based): chr11:68,045,101, C deleted; the last of 4 consecutive C bases (chr11:68,045,098-68,045,101); deleting any one gives the same sequence. VCF-style (leftmost placement, unchanged base first): chr11-68045097-AC-A. GRCh37 (hg19) VCF-style: chr11-67812564-AC-A.
Other names: c.270del, p.Ala91fs (NM_001351059.2); c.1164del, p.Ala389fs (NM_001440552.1, NM_001440553.1, NM_001440554.1 and 2 more transcripts); c.1122del, p.Ala375fs (NM_001440555.1, NM_001440556.1, NM_001440563.1); c.951del, p.Ala318fs (NM_001440559.1, NM_001440560.1, NM_001440561.1 and 3 more transcripts); c.909del, p.Ala304fs (NM_001440564.1); c.864del, p.Ala289fs (NM_001440565.1); c.696del, p.Ala233fs (NM_001440568.1); c.516del, p.Ala173fs (NM_006053.4); and 1 more; short protein forms A173fs, A233fs, A289fs, A304fs, A318fs, A375fs, A389fs, A91fs.
Identifiers: ClinVar variation 4292478 (VCV004292478.1).